The following is an entry in ClinVar:

ClinVar aggregate classification (germline): Benign (1 of 4 stars; one submission).

Submission:

CeGaT Center for Human Genetics Tuebingen
Classification: Benign. Last evaluated: 2022-06-01. Review status: criteria provided, single submitter. Criteria: CeGaT Center For Human Genetics Tuebingen Variant Classification Criteria Version 2. Collection method: clinical testing. Allele origin: germline. Affected: yes. Observed: 1 variant allele.
Comment: ARID2: BS1, BS2

NM_152641.4(ARID2):c.5364-569_5364-567del

Gene: ARID2 (AT-rich interaction domain 2; plus strand). Cytogenetic location: 12q12.
Variant type: Deletion.
Coding change: c.5364-569_5364-567del on transcript NM_152641.4 (MANE Select); 569 bases into the intron before coding-DNA position 5364 through 567 bases into the intron before coding-DNA position 5364, 3 bases deleted (GAA; older notation c.5364-569_5364-567delGAA).
Molecular consequence: intron variant.
Genome position (GRCh38, 1-based): chr12:45,904,365-45,904,367, GAA deleted; deleting any 3 consecutive bases within chr12:45,904,363-45,904,367 gives the same sequence; the c. name uses the placement nearest the transcript's 3' end. VCF-style (leftmost placement, unchanged base first): chr12-45904362-AAAG-A. GRCh37 (hg19) VCF-style: chr12-46298145-AAAG-A.
Identifiers: ClinVar variation 2642918 (VCV002642918.24), dbSNP rs768106064, ClinGen allele CA6526883.